The following is an entry in ClinVar:

ClinVar aggregate classification (germline): Uncertain significance. Review status: criteria provided, multiple submitters, no conflicts (2 of 4 stars). 2 submissions from 2 submitters: Uncertain significance (2). Last evaluated 2024-07-16.

Conditions:
Inborn genetic diseases. Identifiers: MedGen C0950123, MeSH D030342.

Allele frequency attached by ClinVar (database versions not stated): gnomAD 0.00001; TOPMed 0.00001; gnomAD exomes 0.00002; ExAC 0.00003.
gnomAD v4.1: 17 of 1,613,638 alleles (0.0011%); highest among the groups gnomAD compares: Middle Eastern, 0.016%; no homozygotes.

Submissions (2):

Labcorp Genetics (formerly Invitae), Labcorp
Classification: Uncertain significance. Last evaluated: 2024-07-16. Review status: criteria provided, single submitter. Criteria: Invitae Variant Classification Sherloc (09022015). Collection method: clinical testing. Allele origin: germline.
Comment: This sequence change replaces methionine, which is neutral and non-polar, with leucine, which is neutral and non-polar, at codon 512 of the ATR protein (p.Met512Leu). This variant is present in population databases (rs779645543, gnomAD 0.003%). This variant has not been reported in the literature in individuals affected with ATR-related conditions. ClinVar contains an entry for this variant (Variation ID: 1388510). An algorithm developed to predict the effect of missense changes on protein structure and function outputs the following: PolyPhen-2: "Benign". The leucine amino acid residue is found in multiple mammalian species, which suggests that this missense change does not adversely affect protein function. In summary, the available evidence is currently insufficient to determine the role of this variant in disease. Therefore, it has been classified as a Variant of Uncertain Significance.

Ambry Genetics
Classification: Uncertain significance for Inborn genetic diseases. Last evaluated: 2022-12-19. Review status: criteria provided, single submitter. Criteria: Ambry Variant Classification Scheme 2023. Collection method: clinical testing. Allele origin: germline.
Comment: The p.M512L variant (also known as c.1534A>T), located in coding exon 6 of the ATR gene, results from an A to T substitution at nucleotide position 1534. The methionine at codon 512 is replaced by leucine, an amino acid with highly similar properties. This amino acid position is conserved. In addition, this alteration is predicted to be tolerated by in silico analysis. Since supporting evidence is limited at this time, the clinical significance of this alteration remains unclear.

NM_001184.4(ATR):c.1534A>T (p.Met512Leu)

Gene: ATR (ATR checkpoint kinase; minus strand). Cytogenetic location: 3q23.
Variant type: single nucleotide variant.
Coding change: c.1534A>T on transcript NM_001184.4 (MANE Select); coding-DNA position 1534, A replaced by T.
Protein change: p.Met512Leu; replaces methionine 512 with leucine.
Molecular consequence: missense variant. On other transcripts: intron variant (1).
Genome position (GRCh38, 1-based): chr3:142,560,270, T>A on the plus strand (A>T on the coding strand, the complement: ATR is on the minus strand). VCF-style: chr3-142560270-T-A. GRCh37 (hg19) VCF-style: chr3-142279112-T-A.
Other names: c.1350-829A>T (NM_001354579.2); c.1534A>T (NM_001184.3); short protein forms M512L.
Identifiers: ClinVar variation 1388510 (VCV001388510.9), dbSNP rs779645543, ClinGen allele CA2650579.